The following is an entry in ClinVar:

ClinVar aggregate classification (germline): Uncertain significance (1 of 4 stars; one submission).

Allele frequency attached by ClinVar (database versions not stated): gnomAD 0.00003; gnomAD exomes 0.00003 and 0.00007; TOPMed 0.00003; ExAC 0.00007.
gnomAD v4.1: 54 of 1,613,586 alleles (0.0033%); highest among the groups gnomAD compares: Admixed American, 0.017%; 1 homozygote.

Submission:

Labcorp Genetics (formerly Invitae), Labcorp
Classification: Uncertain significance. Last evaluated: 2025-03-17. Review status: criteria provided, single submitter. Criteria: Invitae Variant Classification Sherloc (09022015). Collection method: clinical testing. Allele origin: germline.
Comment: This sequence change replaces arginine, which is basic and polar, with histidine, which is basic and polar, at codon 28 of the CLUAP1 protein (p.Arg28His). This variant is present in population databases (rs754881174, gnomAD 0.02%). This variant has not been reported in the literature in individuals affected with CLUAP1-related conditions. ClinVar contains an entry for this variant (Variation ID: 933360). Invitae Evidence Modeling of protein sequence and biophysical properties (such as structural, functional, and spatial information, amino acid conservation, physicochemical variation, residue mobility, and thermodynamic stability) indicates that this missense variant is not expected to disrupt CLUAP1 protein function with a negative predictive value of 80%. In summary, the available evidence is currently insufficient to determine the role of this variant in disease. Therefore, it has been classified as a Variant of Uncertain Significance.

NM_015041.3(CLUAP1):c.83G>A (p.Arg28His)

Gene: CLUAP1 (clusterin associated protein 1; plus strand). Cytogenetic location: 16p13.3.
Variant type: single nucleotide variant.
Coding change: c.83G>A on transcript NM_015041.3 (MANE Select); coding-DNA position 83, G replaced by A.
Protein change: p.Arg28His; replaces arginine 28 with histidine.
Molecular consequence: missense variant.
Genome position (GRCh38, 1-based): chr16:3,504,780, G>A. VCF-style: chr16-3504780-G-A. GRCh37 (hg19) VCF-style: chr16-3554780-G-A.
Other names: c.83G>A, p.Arg28His (NM_001330454.2); short protein forms R28H.
Identifiers: ClinVar variation 933360 (VCV000933360.9), dbSNP rs754881174, ClinGen allele CA7863591.